The following is an entry in ClinVar:

NM_152594.3(SPRED1):c.607G>A (p.Asp203Asn)

Gene: SPRED1 (sprouty related EVH1 domain containing 1; plus strand). Cytogenetic location: 15q14.
Variant type: single nucleotide variant.
Coding change: c.607G>A on transcript NM_152594.3 (MANE Select); coding-DNA position 607, G replaced by A.
Protein change: p.Asp203Asn; replaces aspartic acid 203 with asparagine.
Molecular consequence: missense variant.
Genome position (GRCh38, 1-based): chr15:38,349,446, G>A. VCF-style: chr15-38349446-G-A. GRCh37 (hg19) VCF-style: chr15-38641647-G-A.
Other names: c.607G>A (NM_152594.2); short protein forms D203N.
Identifiers: ClinVar variation 2919600 (VCV002919600.5), dbSNP rs139897054, ClinGen allele CA7470136.
Genomic context (GRCh38, chr15:38,349,446, plus strand): 5'-CTTGTGTCATTTAAGTAGAAATTGTTTGTATTTTAGATAACATTTGGTCAGCCAGGCTTG[G>A]ACATTCAGAGCAGAAGTATGGAATACGTACAGCGGCAAATATCCAAGGAATGTGGAAGCC-3'
Protein context (NP_689807.1, residues 193-213): NQITFGQPGL[Asp203Asn]IQSRSMEYVQ

ClinVar aggregate classification (germline): Uncertain significance. Review status: criteria provided, multiple submitters, no conflicts (2 of 4 stars). 2 submissions from 2 submitters: Uncertain significance (2). Last evaluated 2025-12-15.

Conditions:
Cardiovascular phenotype. Identifiers: MedGen CN230736.
Legius syndrome. Identifiers: Orphanet 137605, MedGen C1969623, MONDO:0012669, OMIM 611431. Disease mechanism: loss of function.

Allele frequency attached by ClinVar (database versions not stated): ExAC 0.00001; gnomAD exomes 0.00001; ESP Exome Variant Server 0.00008.
gnomAD v4.1: 13 of 1,612,578 alleles (0.00081%); highest among the groups gnomAD compares: Non-Finnish European, 0.00093%; no homozygotes.

Submissions (2):

Ambry Genetics
Classification: Uncertain significance for Cardiovascular phenotype. Last evaluated: 2025-12-15. Review status: criteria provided, single submitter. Criteria: Ambry Variant Classification Scheme 2023. Collection method: clinical testing. Allele origin: germline.

Labcorp Genetics (formerly Invitae), Labcorp
Classification: Uncertain significance for Legius syndrome. Last evaluated: 2025-09-23. Review status: criteria provided, single submitter. Criteria: Invitae Variant Classification Sherloc (09022015). Collection method: clinical testing. Allele origin: germline.
Comment: This sequence change replaces aspartic acid, which is acidic and polar, with asparagine, which is neutral and polar, at codon 203 of the SPRED1 protein (p.Asp203Asn). This variant is present in population databases (rs139897054, gnomAD 0.002%). This variant has not been reported in the literature in individuals affected with SPRED1-related conditions. ClinVar contains an entry for this variant (Variation ID: 2919600). Invitae Evidence Modeling of protein sequence and biophysical properties (such as structural, functional, and spatial information, amino acid conservation, physicochemical variation, residue mobility, and thermodynamic stability) indicates that this missense variant is not expected to disrupt SPRED1 protein function with a negative predictive value of 80%. In summary, the available evidence is currently insufficient to determine the role of this variant in disease. Therefore, it has been classified as a Variant of Uncertain Significance.